The following is an entry in ClinVar:

NM_030665.4(RAI1):c.1102_1104del (p.Glu368del)

Gene: RAI1 (retinoic acid induced 1; plus strand). Cytogenetic location: 17p11.2.
Variant type: Deletion.
Coding change: c.1102_1104del on transcript NM_030665.4 (MANE Select); coding-DNA positions 1102 to 1104, 3 bases deleted (GAG; older notation c.1102_1104delGAG).
Protein change: p.Glu368del; deletes glutamic acid 368.
Molecular consequence: inframe deletion.
Genome position (GRCh38, 1-based): chr17:17,794,050-17,794,052, GAG deleted; deleting any 3 consecutive bases within chr17:17,794,049-17,794,052 gives the same sequence; the c. name uses the placement nearest the transcript's 3' end. VCF-style (leftmost placement, unchanged base first): chr17-17794048-TGGA-T. GRCh37 (hg19) VCF-style: chr17-17697362-TGGA-T.
Other names: c.1102_1104delGAG (NM_030665.3); short protein forms E368del.
Identifiers: ClinVar variation 4884052 (VCV004884052.3).

ClinVar aggregate classification (germline): Uncertain significance. Review status: criteria provided, multiple submitters, no conflicts (2 of 4 stars). 2 submissions from 2 submitters: Uncertain significance (2). Last evaluated 2025-11-25.

Conditions:
Smith-Magenis syndrome (SMS). Also called: CHROMOSOME 17p11.2 DELETION SYNDROME. Identifiers: Orphanet 819, MedGen C0795864, MONDO:0008434, OMIM 182290.
RAI1-related disorder. Also called: RAI1-related condition.

Submissions (2):

Dasa
Classification: Uncertain significance for Smith-Magenis syndrome. Last evaluated: 2025-11-25. Review status: criteria provided, single submitter. Criteria: DASA Assertion Criteria. Collection method: clinical testing. Allele origin: germline.
Comment: NM_030665.4(RAI1):c.1102_1104del (p.Glu368del) is an in-frame deletion predicted to remove glutamic acid at protein position 368 without shifting the reading frame. This variant is rare in population databases. The currently available literature and clinical evidence are not sufficient to establish a definitive association between this variant and the reported condition. Therefore, this variant is classified as a variant of uncertain significance.

PreventionGenetics, part of Exact Sciences
Classification: Uncertain significance for RAI1-related condition. Last evaluated: 2025-03-26. Review status: criteria provided, single submitter. Criteria: ACMG Guidelines, 2015. Collection method: clinical testing. Allele origin: germline.
Comment: The RAI1 c.1102_1104delGAG variant is predicted to result in an in-frame deletion (p.Glu368del). To our knowledge, this variant has not been reported in the literature or in a large population database (gnomAD), indicating this variant is rare. At this time, the clinical significance of this variant is uncertain due to the absence of conclusive functional and genetic evidence.